The following is an entry in ClinVar:

NM_001375.3(DNASE2):c.1040G>A (p.Cys347Tyr)

Gene: DNASE2 (deoxyribonuclease 2, lysosomal; minus strand). Cytogenetic location: 19p13.13.
Variant type: single nucleotide variant.
Coding change: c.1040G>A on transcript NM_001375.3 (MANE Select); coding-DNA position 1040, G replaced by A.
Protein change: p.Cys347Tyr; replaces cysteine 347 with tyrosine.
Molecular consequence: missense variant.
Genome position (GRCh38, 1-based): chr19:12,876,033, C>T on the plus strand (G>A on the coding strand, the complement: DNASE2 is on the minus strand). VCF-style: chr19-12876033-C-T. GRCh37 (hg19) VCF-style: chr19-12986847-C-T.
Other names: short protein forms C347Y.
Identifiers: ClinVar variation 1935743 (VCV001935743.3), dbSNP rs760721485, ClinGen allele CA9233643.

ClinVar aggregate classification (germline): Uncertain significance (1 of 4 stars; one submission).

Allele frequency attached by ClinVar (database versions not stated): TOPMed below 0.00001.
gnomAD v4.1: 2 of 1,613,924 alleles (0.00012%); highest among the groups gnomAD compares: South Asian, 0.0011%; no homozygotes.

Submission:

Labcorp Genetics (formerly Invitae), Labcorp
Classification: Uncertain significance. Last evaluated: 2023-12-30. Review status: criteria provided, single submitter. Criteria: Invitae Variant Classification Sherloc (09022015). Collection method: clinical testing. Allele origin: germline.
Comment: This sequence change replaces cysteine, which is neutral and slightly polar, with tyrosine, which is neutral and polar, at codon 347 of the DNASE2 protein (p.Cys347Tyr). This variant is present in population databases (rs760721485, gnomAD 0.0009%). This variant has not been reported in the literature in individuals affected with DNASE2-related conditions. ClinVar contains an entry for this variant (Variation ID: 1935743). An algorithm developed to predict the effect of missense changes on protein structure and function (PolyPhen-2) suggests that this variant is likely to be disruptive. In summary, the available evidence is currently insufficient to determine the role of this variant in disease. Therefore, it has been classified as a Variant of Uncertain Significance.